The following is an entry in ClinVar:

ClinVar aggregate classification (germline): Uncertain significance. Review status: criteria provided, single submitter (1 of 4 stars). 2 submissions from 2 submitters: Uncertain significance (1). 1 of the submissions does not count toward it. Last evaluated 2023-05-05.

Conditions:
Renal tubular acidosis with progressive nerve deafness. Also called: Distal Renal Tubular Acidosis with Progressive Sensorineural Deafness; RENAL TUBULAR ACIDOSIS, AUTOSOMAL RECESSIVE, WITH PROGRESSIVE NERVE DEAFNESS; RTA WITH PROGRESSIVE NERVE DEAFNESS; renal tubular acidosis, distal, 2, with progressive sensorineural hearing loss. Identifiers: MedGen C0403554, MONDO:0009968, OMIM 267300.

Submissions (2):

GeneDx
Classification: Uncertain significance. Last evaluated: 2023-05-05. Review status: criteria provided, single submitter. Criteria: GeneDx Variant Classification Process June 2021. Collection method: clinical testing. Allele origin: germline. Affected: yes.
Comment: In-frame insertion of six amino acids in a non-repeat region; Not observed at significant frequency in large population cohorts (gnomAD); Has not been previously published as pathogenic or benign to our knowledge

Natera, Inc.
Classification: Uncertain significance for Renal tubular acidosis with progressive nerve deafness. Last evaluated: 2025-04-11. Review status: no assertion criteria provided. Collection method: clinical testing. Allele origin: germline. Not counted in ClinVar's aggregate classification.

NM_001692.4(ATP6V1B1):c.1101_1118dup (p.Val373_Asp374insGluGlyGlnIleTyrVal)

Gene: ATP6V1B1 (ATPase H+ transporting V1 subunit B1; plus strand). Cytogenetic location: 2p13.3.
Variant type: Duplication.
Coding change: c.1101_1118dup on transcript NM_001692.4 (MANE Select); coding-DNA positions 1101 to 1118, 18 bases duplicated (AGAGGGACAGATCTACGT).
Protein change: p.Val373_Asp374insGluGlyGlnIleTyrVal.
Molecular consequence: inframe insertion.
Genome position (GRCh38, 1-based): chr2:70,963,612-70,963,629, AGAGGGACAGATCTACGT duplicated. VCF-style (leftmost placement, unchanged base first): chr2-70963611-C-CAGAGGGACAGATCTACGT. GRCh37 (hg19) VCF-style: chr2-71190741-C-CAGAGGGACAGATCTACGT.
Identifiers: ClinVar variation 2662374 (VCV002662374.2), dbSNP rs2466303098, ClinGen allele CA2695200810.